The following is an entry in ClinVar:

ClinVar aggregate classification (germline): Pathogenic (1 of 4 stars; one submission).

Conditions:
Hereditary cancer-predisposing syndrome. Also called: Neoplastic Syndromes, Hereditary; Tumor predisposition; Hereditary Cancer Syndrome; Hereditary neoplastic syndrome. Identifiers: Orphanet 140162, MedGen C0027672, MeSH D009386, MONDO:0015356.

Submission:

Ambry Genetics
Classification: Pathogenic for Hereditary cancer-predisposing syndrome. Last evaluated: 2022-08-11. Review status: criteria provided, single submitter. Criteria: Ambry Variant Classification Scheme 2023. Collection method: clinical testing. Allele origin: germline.
Comment: The c.1976delA pathogenic mutation, located in coding exon 12 of the ATM gene, results from a deletion of one nucleotide at nucleotide position 1976, causing a translational frameshift with a predicted alternate stop codon (p.K659Rfs*5). This variant is considered to be rare based on population cohorts in the Genome Aggregation Database (gnomAD). This alteration is expected to result in loss of function by premature protein truncation or nonsense-mediated mRNA decay. As such, this alteration is interpreted as a disease-causing mutation.

NM_000051.4(ATM):c.1976del (p.Lys659fs)

Gene: ATM (ATM serine/threonine kinase; plus strand). Cytogenetic location: 11q22.3.
Variant type: Deletion.
Coding change: c.1976del on transcript NM_000051.4 (MANE Select); coding-DNA position 1976, one base deleted (A; older notation c.1976delA).
Protein change: p.Lys659fs; shifts the reading frame from lysine 659.
Molecular consequence: frameshift variant.
Genome position (GRCh38, 1-based): chr11:108,253,891, A deleted; the last of 2 consecutive A bases (chr11:108,253,890-108,253,891); deleting either gives the same sequence. VCF-style (leftmost placement, unchanged base first): chr11-108253889-CA-C. GRCh37 (hg19) VCF-style: chr11-108124616-CA-C.
Other names: c.1976del, p.Lys659fs (NM_001351834.2); short protein forms K659fs.
Identifiers: ClinVar variation 1783716 (VCV001783716.2), dbSNP rs2497312636, ClinGen allele CA2580083816.
Genomic context (GRCh38, chr11:108,253,889, plus strand): 5'-AGATAAAGAAGAACTTTCATTCTCAGAAGTAGAAGAACTATTTCTTCAGACAACTTTTGA[CA>C]AGATGGACTTTTTAACCATTGTGAGAGAATGTGGTATAGAAAAGCACCAGTCCAGTATTG-3'